The following is an entry in ClinVar:

NM_003742.4(ABCB11):c.3676C>T (p.Arg1226Cys)

Gene: ABCB11 (ATP binding cassette subfamily B member 11; minus strand). Cytogenetic location: 2q31.1.
Variant type: single nucleotide variant.
Coding change: c.3676C>T on transcript NM_003742.4 (MANE Select); coding-DNA position 3676, C replaced by T.
Protein change: p.Arg1226Cys; replaces arginine 1226 with cysteine.
Molecular consequence: missense variant.
Genome position (GRCh38, 1-based): chr2:168,924,746, G>A on the plus strand (C>T on the coding strand, the complement: ABCB11 is on the minus strand). VCF-style: chr2-168924746-G-A. GRCh37 (hg19) VCF-style: chr2-169781256-G-A.
Other names: NM_003742.4(ABCB11):c.3676C>T; p.Arg1226Cys; c.3676C>T, p.Arg1226Cys (LRG_1199t1); c.3676C>T (NM_003742.2); short protein forms R1226C.
Identifiers: ClinVar variation 597949 (VCV000597949.9), dbSNP rs772241929, ClinGen allele CA1950965.

ClinVar aggregate classification (germline): Conflicting classifications of pathogenicity. Review status: criteria provided, conflicting classifications (1 of 4 stars). 6 submissions from 6 submitters: Likely pathogenic (3); Uncertain significance (3). Last evaluated 2026-04-14.

Conditions:
Benign recurrent intrahepatic cholestasis type 2 (BRIC2). Also called: Recurrent familial intrahepatic cholestasis 2. Identifiers: Orphanet 65682, Orphanet 99961, MedGen C2608083, MONDO:0011559, OMIM 605479.
Familial intrahepatic cholestasis. Identifiers: Orphanet 284385, MedGen CN296401, MONDO:0017290.
Progressive familial intrahepatic cholestasis type 2. Identifiers: Orphanet 79304, MedGen C3489789, MONDO:0011156, OMIM 601847.

Allele frequency attached by ClinVar (database versions not stated): gnomAD 0.00002; TOPMed 0.00002; gnomAD exomes 0.00006; ExAC 0.00007.
gnomAD v4.1: 40 of 1,613,466 alleles (0.0025%); highest among the groups gnomAD compares: Admixed American, 0.012%; no homozygotes.

Submissions (6):

Genomenon, Inc
Classification: Uncertain significance for Familial intrahepatic cholestasis. Last evaluated: 2026-04-14. Review status: criteria provided, single submitter. Criteria: Genomenon Sequence Variant Interpretation Standards - Updated. Collection method: curation. Allele origin: germline. Affected: yes.
Comment: ABCB11 p.Arg1226Cys (c.3676C>T) is a missense variant that changes the amino acid at residue 1226 from Arginine to Cysteine. This variant has been observed in at least one proband with an ABCB11-related disorder (PMID:32087350). It is absent or not present at a significant frequency in gnomAD. In silico models predict that this variant is possibly or probably damaging. In conclusion, we classify ABCB11 p.Arg1226Cys (c.3676C>T) as a variant of uncertain significance.

3billion
Classification: Likely pathogenic for Benign recurrent intrahepatic cholestasis type 2. Last evaluated: 2025-03-13. Review status: criteria provided, single submitter. Criteria: ACMG Guidelines, 2015. Collection method: clinical testing. Allele origin: germline. Affected: yes.

Broad Center for Mendelian Genomics, Broad Institute of MIT and Harvard
Classification: Uncertain significance for Progressive familial intrahepatic cholestasis type 2. Last evaluated: 2025-01-22. Review status: criteria provided, single submitter. Criteria: ACMG Guidelines, 2015. Collection method: curation. Allele origin: germline. Inheritance: Autosomal recessive inheritance.
Comment: The p.Arg1226Cys variant in ABCB11 has been reported in 2 individuals with BSEP deficiency (PMID: 35894240, vanWessel et al. 2020), and has been identified in 0.01% (7/59980) of Admixed American chromosomes by the Genome Aggregation Database (gnomAD; dbSNP rs772241929). Although this variant has been seen in the general population in a heterozygous state, its frequency is not high enough to rule out a pathogenic role. This variant has also been reported in ClinVar (Variation ID: 597949) and has been interpreted as likely pathogenic by Rolfs Rare Disease Consulting (Rolfs Consulting Und Verwaltungs GmbH) and Baylor Genetics, and as a variant of uncertain significance by Eurofins Ntd Llc (ga). Of the two affected individuals, one of those was a homozygote, which increases the likelihood that the p.Arg1226Cys variant is pathogenic (vanWessel et al. 2020). In summary, the clinical significance of the p.Arg1226Cys variant is uncertain. ACMG/AMP Criteria applied: PP3_moderate, PM2_supporting, PM3_supporting (Richards 2015).

Baylor Genetics
Classification: Likely pathogenic for Benign recurrent intrahepatic cholestasis type 2. Last evaluated: 2024-03-30. Review status: criteria provided, single submitter. Criteria: ACMG Guidelines, 2015. Collection method: clinical testing. Allele origin: unknown.

Rolfs Rare Disease Consulting, Rolfs Consulting Und Verwaltungs GmbH
Classification: Likely pathogenic for Progressive familial intrahepatic cholestasis type 2. Last evaluated: 2021-01-01. Review status: criteria provided, single submitter. Criteria: ACMG Guidelines, 2015. Collection method: clinical testing. Allele origin: germline. Affected: yes.

Eurofins Ntd Llc (ga)
Classification: Uncertain significance. Last evaluated: 2018-07-09. Review status: criteria provided, single submitter. Criteria: EGL ClinVar v180209 classification definitions. Collection method: clinical testing. Allele origin: germline. Observed: 1 variant allele, 1 heterozygote.

Literature cited by the submitters: PubMed 32087350 (cited by Genomenon, Inc); PubMed 25016225 (cited by 3billion).